The following continues an entry in ClinVar:

NM_000059.4(BRCA2):c.1786G>C (p.Asp596His)

Gene: BRCA2. ClinVar aggregate classification (germline): Benign. Benign (1).

Submissions 16 to 41 of 41:

Illumina Laboratory Services, Illumina
Classification: Likely benign for Fanconi anemia complementation group D1. Last evaluated: 2018-08-30. Review status: criteria provided, single submitter. Criteria: ICSL Variant Classification Criteria 13 December 2019. Collection method: clinical testing. Allele origin: germline. Not counted in ClinVar's aggregate classification.
Comment: This variant was observed as part of a predisposition screen in an ostensibly healthy population. A literature search was performed for the gene, cDNA change, and amino acid change (where applicable). No publications were found based on this search. Allele frequency data from public databases allowed determination this variant is unlikely to cause disease. Therefore, this variant is classified as likely benign.

Illumina Laboratory Services, Illumina
Classification: Likely benign for Breast-ovarian cancer, familial, susceptibility to, 2. Last evaluated: 2018-08-30. Review status: criteria provided, single submitter. Criteria: ICSL Variant Classification Criteria 13 December 2019. Collection method: clinical testing. Allele origin: germline. Not counted in ClinVar's aggregate classification.
Comment: This variant was observed as part of a predisposition screen in an ostensibly healthy population. A literature search was performed for the gene, cDNA change, and amino acid change (where applicable). Publications were found based on this search. The evidence from the literature, in combination with allele frequency data from public databases where available, was sufficient to determine this variant is unlikely to cause disease. Therefore, this variant is classified as likely benign.

PreventionGenetics, part of Exact Sciences
Classification: Benign. Last evaluated: 2017-07-31. Review status: criteria provided, single submitter. Criteria: ACMG Guidelines, 2015. Collection method: clinical testing. Allele origin: germline. Not counted in ClinVar's aggregate classification.

Cancer Genetics and Genomics Laboratory, British Columbia Cancer Agency
Classification: Benign. Last evaluated: 2017-04-18. Review status: criteria provided, single submitter. Criteria: ACMG Guidelines, 2015. Collection method: clinical testing. Allele origin: germline. Study: The Canadian Open Genetics Repository (COGR). Not counted in ClinVar's aggregate classification.

Center for Pediatric Genomic Medicine, Children's Mercy Hospital and Clinics
Classification: Likely benign. Last evaluated: 2017-02-17. Review status: criteria provided, single submitter. Criteria: ACMG Guidelines, 2015. Collection method: clinical testing. Allele origin: germline. Not counted in ClinVar's aggregate classification.

Laboratory for Molecular Medicine, Mass General Brigham Personalized Medicine
Classification: Uncertain significance. Last evaluated: 2016-03-28. Review status: criteria provided, single submitter. Criteria: LMM Criteria. Collection method: clinical testing. Allele origin: germline. Not counted in ClinVar's aggregate classification.
Comment: Variant identified in a genome or exome case(s) and assessed due to predicted null impact of the variant or pathogenic assertions in the literature or databases. Disclaimer: This variant has not undergone full assessment. The following are preliminary notes: ExAC: 0.1% (45/65250) European; ClinVar: 5 LB, 3 B

CHEO Genetics Diagnostic Laboratory, Children's Hospital of Eastern Ontario
Classification: Benign for Breast and/or ovarian cancer. Last evaluated: 2016-03-03. Review status: criteria provided, single submitter. Criteria: ACMG Guidelines, 2015. Collection method: clinical testing. Allele origin: germline. Study: Canadian Open Genetics Repository. Not counted in ClinVar's aggregate classification.

Clinical Genetics DNA and cytogenetics Diagnostics Lab, Erasmus MC, Erasmus Medical Center
Classification: Benign for Breast-ovarian cancer, familial, susceptibility to, 2. Last evaluated: 2015-09-21. Review status: criteria provided, single submitter. Criteria: ACGS Guidelines, 2013. Collection method: clinical testing. Allele origin: germline. Affected: yes. Study: VKGL Data-share Consensus. Not counted in ClinVar's aggregate classification.

Eurofins Ntd Llc (ga)
Classification: Likely benign. Last evaluated: 2015-04-23. Review status: criteria provided, single submitter. Criteria: EGL Classification Definitions 2015. Collection method: clinical testing. Allele origin: germline. Observed: 1 variant allele, 1 heterozygote. Not counted in ClinVar's aggregate classification.

Color Diagnostics, LLC DBA Color Health
Classification: Likely benign for Hereditary cancer-predisposing syndrome. Last evaluated: 2015-02-06. Review status: criteria provided, single submitter. Criteria: ACMG Guidelines, 2015. Collection method: clinical testing. Allele origin: germline. Not counted in ClinVar's aggregate classification.

Ambry Genetics
Classification: Benign for Hereditary cancer-predisposing syndrome. Last evaluated: 2014-11-19. Review status: criteria provided, single submitter. Criteria: Ambry Variant Classification Scheme 2023. Collection method: clinical testing. Allele origin: germline. Not counted in ClinVar's aggregate classification.

Molecular Genetics Laboratory, University of Michigan
Classification: Benign for Breast-ovarian cancer, familial, susceptibility to, 2. Last evaluated: 2014-11-03. Review status: criteria provided, single submitter. Criteria: ACMG Guidelines, 2015. Collection method: clinical testing. Allele origin: germline. Affected: yes. Not counted in ClinVar's aggregate classification.

Genome Diagnostics Laboratory, University Medical Center Utrecht
Classification: Benign for Breast-ovarian cancer, familial, susceptibility to, 2. Last evaluated: 2014-10-09. Review status: criteria provided, single submitter. Criteria: ACGS Guidelines, 2013. Collection method: clinical testing. Allele origin: germline. Affected: yes. Study: VKGL Data-share Consensus. Not counted in ClinVar's aggregate classification.

Department of Medical and Surgical Sciences, University of Bologna
Classification: Benign for Breast-ovarian cancer, familial, susceptibility to, 2. Last evaluated: 2023-09-01. Review status: no assertion criteria provided. Collection method: clinical testing. Allele origin: germline. Affected: yes. Not counted in ClinVar's aggregate classification.
Comment: BS1(Strong)+BP1(Strong)+BP5(Strong) according to ACMG/AMP classification guidelines specified for BRCA1 & BRCA2 (Classification Criteria V1.0.0 2023-09-08) (PMID: 38160042)

BRCAlab, Lund University
Classification: Benign for Breast-ovarian cancer, familial, susceptibility to, 2. Last evaluated: 2020-03-02. Review status: no assertion criteria provided. Collection method: clinical testing. Allele origin: germline. Affected: yes. Not counted in ClinVar's aggregate classification.

Mayo Clinic Laboratories, Mayo Clinic
Classification: Benign. Last evaluated: 2017-04-20. Review status: no assertion criteria provided. Collection method: clinical testing. Allele origin: unknown. Not counted in ClinVar's aggregate classification.

CSER _CC_NCGL, University of Washington
Classification: Likely benign for Breast cancer. Last evaluated: 2014-06-01. Review status: no assertion criteria provided. Collection method: research. Allele origin: germline. Inheritance: Autosomal dominant inheritance. Study: ESP 6500 variant annotation. Not counted in ClinVar's aggregate classification.
Comment: Variants classified for the Actionable exomic incidental findings in 6503 participants: challenges of variant classification manuscript

Counsyl
Classification: Likely benign for Breast-ovarian cancer, familial 2. Last evaluated: 2014-01-02. Review status: no assertion criteria provided. Collection method: literature only. Allele origin: unknown. Inheritance: Autosomal dominant inheritance. Not counted in ClinVar's aggregate classification.

ITMI
No classification provided. Condition: AllHighlyPenetrant. Last evaluated: 2013-09-19. Review status: no classification provided. Collection method: reference population. Allele origin: germline. Not counted in ClinVar's aggregate classification.
Comment: Please see associated publication for description of ethnicities

Sharing Clinical Reports Project (SCRP)
Classification: Benign for Breast-ovarian cancer, familial 2. Last evaluated: 2012-05-01. Review status: no assertion criteria provided. Collection method: clinical testing. Allele origin: germline. Not counted in ClinVar's aggregate classification.

Breast Cancer Information Core (BIC) (BRCA2)
No classification provided. Condition: Breast-ovarian cancer, familial 2. Review status: no classification provided. Collection method: clinical testing. Allele origin: germline. Affected: yes. Observed: 50 variant alleles. Not counted in ClinVar's aggregate classification.

Clinical Genetics Laboratory, Department of Pathology, Netherlands Cancer Institute
Classification: Benign. Review status: no assertion criteria provided. Collection method: clinical testing. Allele origin: germline. Affected: yes. Study: VKGL Data-share Consensus. Not counted in ClinVar's aggregate classification.

Department of Pathology and Laboratory Medicine, Sinai Health System
Classification: Benign for Malignant tumor of breast. Review status: no assertion criteria provided. Collection method: clinical testing. Allele origin: unknown. Affected: yes. Study: The Canadian Open Genetics Repository (COGR). Not counted in ClinVar's aggregate classification.
Comment: The BRCA2 p.Asp596His variant was identified in 7 of 7970 proband chromosomes (frequency: 0.001) from individuals or families with ovarian and breast cancer (Borg 2010, Brozek 2007, Lee 2008, Machado 2007, Pal 2005); however, an insufficient number of controls were included in these studies to determine the frequency of this variant in the general population. The variant was also identified by our laboratory in 2 individuals with breast cancer. The variant was identified by the Exome Variant Server project in 5 of 12995 European American/African American alleles (frequency: 0.0004), although this low number of observations and low frequency is not substantive enough to determine the prevalence of the variant in the general population and its relationship to disease. The p.Asp596 residue is conserved across most mammals, but not across lower organisms. Computational analyses (PolyPhen-2, SIFT, AlignGVGD, BLOSUM, MutationTaster) provide inconsistent predictions regarding the impact to the protein; this information is not very predictive of pathogenicity. An in silico analysis study by Lee (2008) classified this variant as low-frequency unclassified variant with medium to high risk in selected computational predictive programs; however, a population study by Pal (2005) noted that a tumour with the variant had low malignant potential. This variant was identified in dbSNP (ID: rs56328701) â€šÃ„ÃºWith untested alleleâ€šÃ„Ã¹, HGMD, ClinVar database, the BIC database (50X with no clinical importance), and UMD (44X as a neutral variant). In UMD the c.1786G>C variant was identified with five different co-occurring pathogenic BRCA1 and BRCA2 variants, increasing the likelihood that the p.Asp596His variant does not have clinical significance. In addition, the variant was classified as a benign by the Sharing Clinical Reports Project (SCRP) (submitted within the ClinVar database and derived from Myriad reports). In summary, based on the above information, this variant meets our laboratory's criteria to be classified as benign.

Diagnostic Laboratory, Department of Genetics, University Medical Center Groningen
Classification: Benign for Breast-ovarian cancer, familial, susceptibility to, 2. Review status: no assertion criteria provided. Collection method: clinical testing. Allele origin: germline. Affected: yes. Study: VKGL Data-share Consensus. Not counted in ClinVar's aggregate classification.

Joint Genome Diagnostic Labs from Nijmegen and Maastricht, Radboudumc and MUMC+
Classification: Benign. Review status: no assertion criteria provided. Collection method: clinical testing. Allele origin: germline. Affected: yes. Study: VKGL Data-share Consensus. Not counted in ClinVar's aggregate classification.

Laboratory of Diagnostic Genome Analysis, Leiden University Medical Center (LUMC)
Classification: Benign. Review status: no assertion criteria provided. Collection method: clinical testing. Allele origin: germline. Affected: yes. Study: VKGL Data-share Consensus. Not counted in ClinVar's aggregate classification.

Literature cited by the submitters: PubMed 31131967 (cited by Evidence-based Network for the Interpretation of Germline Mutant Alleles (ENIGMA)); PubMed 17513806 (cited by 3 submitters); PubMed 25637381 (cited by Quest Diagnostics Nichols Institute San Juan Capistrano); PubMed 24728327 (cited by 3 submitters); PubMed 21520273 (cited by 3 submitters); PubMed 28678401 (cited by Quest Diagnostics Nichols Institute San Juan Capistrano); PubMed 26517685 (cited by Quest Diagnostics Nichols Institute San Juan Capistrano); PubMed 21952622 (cited by Quest Diagnostics Nichols Institute San Juan Capistrano and Counsyl); PubMed 27153395 (cited by Quest Diagnostics Nichols Institute San Juan Capistrano); PubMed 26306726 (cited by Quest Diagnostics Nichols Institute San Juan Capistrano); PubMed 23231788 (cited by Quest Diagnostics Nichols Institute San Juan Capistrano); PubMed 28439188 (cited by Quest Diagnostics Nichols Institute San Juan Capistrano); PubMed 17997147 (cited by Counsyl); PubMed 20104584 (cited by Counsyl).